The following is an entry in ClinVar:

ClinVar aggregate classification (germline): Uncertain significance (1 of 4 stars; one submission).

Submission:

GeneDx
Classification: Uncertain significance. Last evaluated: 2023-05-28. Review status: criteria provided, single submitter. Criteria: GeneDx Variant Classification Process June 2021. Collection method: clinical testing. Allele origin: germline. Affected: yes.
Comment: Not observed at significant frequency in large population cohorts (gnomAD); In silico analysis supports that this missense variant has a deleterious effect on protein structure/function; Has not been previously published as pathogenic or benign to our knowledge

NM_001271.4(CHD2):c.4366A>T (p.Ile1456Phe)

Gene: CHD2 (chromodomain helicase DNA binding protein 2; plus strand). Cytogenetic location: 15q26.1.
Variant type: single nucleotide variant.
Coding change: c.4366A>T on transcript NM_001271.4 (MANE Select); coding-DNA position 4366, A replaced by T.
Protein change: p.Ile1456Phe; replaces isoleucine 1456 with phenylalanine.
Molecular consequence: missense variant.
Genome position (GRCh38, 1-based): chr15:93,004,704, A>T. VCF-style: chr15-93004704-A-T. GRCh37 (hg19) VCF-style: chr15-93547934-A-T.
Other names: short protein forms I1456F.
Identifiers: ClinVar variation 3343833 (VCV003343833.1).